The following is an entry in ClinVar:

ClinVar aggregate classification (germline): Uncertain significance (1 of 4 stars; one submission).

Conditions:
Hereditary factor VIII deficiency disease (HEMA). Also called: HEMOPHILIA, CLASSIC; AUTOSOMAL HEMOPHILIA A; Hemophilia A; Hemophilia A, congenital; HEM A; Factor 8 deficiency, congenital. Identifiers: Orphanet 98878, MedGen C0019069, MONDO:0010602, OMIM 306700.

Allele frequency attached by ClinVar (database versions not stated): TOPMed 0.00003; ExAC 0.00004; gnomAD 0.00005; 1000 Genomes Project 30x 0.00031; 1000 Genomes Project 0.00040.
gnomAD v4.1: 34 of 1,614,192 alleles (0.0021%); highest among the groups gnomAD compares: East Asian, 0.056%; no homozygotes.

Submission:

Genetics and Molecular Pathology, SA Pathology
Classification: Uncertain significance for Hereditary factor VIII deficiency disease. Last evaluated: 2022-04-28. Review status: criteria provided, single submitter. Criteria: ACMG Guidelines, 2015. Collection method: clinical testing. Allele origin: germline. Inheritance: X-linked recessive inheritance. Affected: yes.
Comment: The VWF c.2308C>T variant is classified as VUS (PP3) The VWF c.2308C>T variant is a single nucleotide change in exon 18/52 of the VWF gene, which is predicted to change the amino acid proline at position 770 in the protein to serine. This variant is present at low frequency in population databases (gnomAD allele frequency = 0.0045%; 7 het and 0 hom in 152204 sequenced alleles; highest frequency = 0.096%, East Asian population) (PM2 not met). Computational predictions support a deleterious effect on the gene or gene product (PP3). The variant has been reported in dbSNP (rs149051646). It has not been reported in ClinVar or HGMD.

NM_000552.5(VWF):c.2308C>T (p.Pro770Ser)

Gene: VWF (von Willebrand factor; minus strand). Cytogenetic location: 12p13.31.
Variant type: single nucleotide variant.
Coding change: c.2308C>T on transcript NM_000552.5 (MANE Select); coding-DNA position 2308, C replaced by T.
Protein change: p.Pro770Ser; replaces proline 770 with serine.
Molecular consequence: missense variant.
Genome position (GRCh38, 1-based): chr12:6,044,425, G>A on the plus strand (C>T on the coding strand, the complement: VWF is on the minus strand). VCF-style: chr12-6044425-G-A. GRCh37 (hg19) VCF-style: chr12-6153591-G-A.
Other names: short protein forms P770S.
Identifiers: ClinVar variation 1803277 (VCV001803277.1), dbSNP rs149051646, ClinGen allele CA6403101.